The following is an entry in ClinVar:

NM_003647.3(DGKE):c.47_48delinsCT (p.Leu16Pro)

Gene: DGKE (diacylglycerol kinase epsilon; plus strand). Cytogenetic location: 17q22.
Variant type: Indel.
Coding change: c.47_48delinsCT on transcript NM_003647.3 (MANE Select); coding-DNA positions 47 to 48, TG replaced by CT.
Protein change: p.Leu16Pro; replaces leucine 16 with proline.
Molecular consequence: missense variant.
Genome position (GRCh38, 1-based): chr17:56,834,842-56,834,843, TG replaced by CT. VCF-style: chr17-56834842-TG-CT. GRCh37 (hg19) VCF-style: chr17-54912203-TG-CT.
Other names: short protein forms L16P.
Identifiers: ClinVar variation 1378134 (VCV001378134.6), dbSNP rs2144178647, ClinGen allele CA2573154131.

ClinVar aggregate classification (germline): Uncertain significance (1 of 4 stars; one submission).

Submission:

Labcorp Genetics (formerly Invitae), Labcorp
Classification: Uncertain significance. Last evaluated: 2023-05-05. Review status: criteria provided, single submitter. Criteria: Invitae Variant Classification Sherloc (09022015). Collection method: clinical testing. Allele origin: germline.
Comment: This sequence change replaces leucine, which is neutral and non-polar, with proline, which is neutral and non-polar, at codon 16 of the DGKE protein (p.Leu16Pro). This variant is present in population databases (no rsID available, gnomAD 0.002%). This variant has not been reported in the literature in individuals affected with DGKE-related conditions. ClinVar contains an entry for this variant (Variation ID: 1378134). An algorithm developed to predict the effect of missense changes on protein structure and function (PolyPhen-2) suggests that this variant is likely to be tolerated. In summary, the available evidence is currently insufficient to determine the role of this variant in disease. Therefore, it has been classified as a Variant of Uncertain Significance.